The following is an entry in ClinVar:

ClinVar aggregate classification (germline): Conflicting classifications of pathogenicity. Review status: criteria provided, conflicting classifications (1 of 4 stars). 3 submissions from 3 submitters: Uncertain significance (2); Likely benign (1). Last evaluated 2025-02-17.

Conditions:
Cardiovascular phenotype. Identifiers: MedGen CN230736.
Alagille syndrome due to a JAG1 point mutation. Also called: HEPATIC DUCTULAR HYPOPLASIA, SYNDROMATIC; JAG1-Related Alagille Syndrome; Alagille Syndrome 1. Identifiers: Orphanet 261619, Orphanet 52, MedGen C1956125, MONDO:0016862, OMIM 118450.
Isolated Nonsyndromic Congenital Heart Disease.

Allele frequency attached by ClinVar (database versions not stated): ExAC 0.00001; gnomAD 0.00001; gnomAD exomes 0.00001.
gnomAD v4.1: 12 of 1,612,902 alleles (0.00074%); highest among the groups gnomAD compares: Middle Eastern, 0.033%; no homozygotes.

Submissions (3):

Labcorp Genetics (formerly Invitae), Labcorp
Classification: Likely benign for Alagille syndrome due to a JAG1 point mutation. Last evaluated: 2025-02-17. Review status: criteria provided, single submitter. Criteria: Invitae Variant Classification Sherloc (09022015). Collection method: clinical testing. Allele origin: germline.

Ambry Genetics
Classification: Uncertain significance for Cardiovascular phenotype. Last evaluated: 2024-06-26. Review status: criteria provided, single submitter. Criteria: Ambry Variant Classification Scheme 2023. Collection method: clinical testing. Allele origin: germline.
Comment: The p.S787N variant (also known as c.2360G>A), located in coding exon 19 of the JAG1 gene, results from a G to A substitution at nucleotide position 2360. The serine at codon 787 is replaced by asparagine, an amino acid with highly similar properties. This amino acid position is conserved. In addition, this alteration is predicted to be tolerated by in silico analysis. Based on the available evidence, the clinical significance of this variant remains unclear.

Illumina Laboratory Services, Illumina
Classification: Uncertain significance for Isolated Nonsyndromic Congenital Heart Disease. Last evaluated: 2018-01-12. Review status: criteria provided, single submitter. Criteria: ICSL Variant Classification Criteria 13 December 2019. Collection method: clinical testing. Allele origin: germline.

NM_000214.3(JAG1):c.2360G>A (p.Ser787Asn)

Gene: JAG1 (jagged canonical Notch ligand 1; minus strand). Cytogenetic location: 20p12.2.
Variant type: single nucleotide variant.
Coding change: c.2360G>A on transcript NM_000214.3 (MANE Select); coding-DNA position 2360, G replaced by A.
Protein change: p.Ser787Asn; replaces serine 787 with asparagine.
Molecular consequence: missense variant.
Genome position (GRCh38, 1-based): chr20:10,644,369, C>T on the plus strand (G>A on the coding strand, the complement: JAG1 is on the minus strand). VCF-style: chr20-10644369-C-T. GRCh37 (hg19) VCF-style: chr20-10625017-C-T.
Other names: short protein forms S787N.
Identifiers: ClinVar variation 897678 (VCV000897678.13), dbSNP rs761640153, ClinGen allele CA9764526.